The following is an entry in ClinVar:

NM_000535.7(PMS2):c.332T>A (p.Leu111Gln)

Gene: PMS2 (PMS1 homolog 2, mismatch repair system component; minus strand). Cytogenetic location: 7p22.1.
Variant type: single nucleotide variant.
Coding change: c.332T>A on transcript NM_000535.7 (MANE Select); coding-DNA position 332, T replaced by A.
Protein change: p.Leu111Gln; replaces leucine 111 with glutamine.
Molecular consequence: missense variant. On other transcripts: 5 prime UTR variant (9), non-coding transcript variant (1), intron variant (2).
Genome position (GRCh38, 1-based): chr7:6,003,711, A>T on the plus strand (T>A on the coding strand, the complement: PMS2 is on the minus strand). VCF-style: chr7-6003711-A-T. GRCh37 (hg19) VCF-style: chr7-6043342-A-T.
Other names: c.-74T>A (NM_001322003.2, NM_001322004.2, NM_001322005.2 and 3 more transcripts); c.332T>A, p.Leu111Gln (NM_001322006.2, NM_001322014.2); c.-553T>A (NM_001322011.2, NM_001322012.2); c.-153T>A (NM_001322015.2); c.35+261T>A (NM_001322008.2, NM_001322007.2); short protein forms L111Q.
Identifiers: ClinVar variation 823612 (VCV000823612.7), dbSNP rs1554304623, ClinGen allele CA366744565.

ClinVar aggregate classification (germline): Uncertain significance. Review status: criteria provided, multiple submitters, no conflicts (2 of 4 stars). 2 submissions from 2 submitters: Uncertain significance (2). Last evaluated 2025-06-06.

Conditions:
Hereditary cancer-predisposing syndrome. Also called: Neoplastic Syndromes, Hereditary; Tumor predisposition; Hereditary neoplastic syndrome; Hereditary Cancer Syndrome. Identifiers: Orphanet 140162, MedGen C0027672, MeSH D009386, MONDO:0015356.

Submissions (2):

Ambry Genetics
Classification: Uncertain significance for Hereditary cancer-predisposing syndrome. Last evaluated: 2025-06-06. Review status: criteria provided, single submitter. Criteria: Ambry Variant Classification Scheme 2023. Collection method: clinical testing. Allele origin: germline.
Comment: The p.L111Q variant (also known as c.332T>A), located in coding exon 4 of the PMS2 gene, results from a T to A substitution at nucleotide position 332. The leucine at codon 111 is replaced by glutamine, an amino acid with dissimilar properties. This amino acid position is highly conserved in available vertebrate species. In addition, this alteration is predicted to be deleterious by in silico analysis. Based on the available evidence, the clinical significance of this variant remains unclear.

Color Diagnostics, LLC DBA Color Health
Classification: Uncertain significance for Hereditary cancer-predisposing syndrome. Last evaluated: 2023-05-08. Review status: criteria provided, single submitter. Criteria: ACMG Guidelines, 2015. Collection method: clinical testing. Allele origin: germline.
Comment: This missense variant replaces leucine with glutamine at codon 111 of the PMS2 protein. Computational prediction suggests that this variant may have deleterious impact on protein structure and function (internally defined REVEL score threshold >= 0.7, PMID: 27666373). To our knowledge, functional studies have not been reported for this variant. This variant has not been reported in individuals affected with PMS2-related disorders in the literature. This variant has not been identified in the general population by the Genome Aggregation Database (gnomAD). The available evidence is insufficient to determine the role of this variant in disease conclusively. Therefore, this variant is classified as a Variant of Uncertain Significance.